The following is an entry in ClinVar:

ClinVar aggregate classification (germline): Uncertain significance. Review status: criteria provided, multiple submitters, no conflicts (2 of 4 stars). 9 submissions from 9 submitters: Uncertain significance (8). 1 of the submissions does not count toward it. Last evaluated 2026-05-19.

Conditions:
RAD51D-related disorder. Also called: RAD51D-related condition.
Hereditary cancer-predisposing syndrome. Also called: Neoplastic Syndromes, Hereditary; Hereditary Cancer Syndrome; Tumor predisposition; Hereditary neoplastic syndrome. Identifiers: Orphanet 140162, MedGen C0027672, MeSH D009386, MONDO:0015356.
Breast-ovarian cancer, familial, susceptibility to, 4. Identifiers: Orphanet 145, MedGen C3280345, MONDO:0013669, OMIM 614291.

Allele frequency attached by ClinVar (database versions not stated): gnomAD 0.00003 and 0.00004; TOPMed 0.00004; gnomAD exomes below 0.00001.
gnomAD v4.1: 9 of 1,613,798 alleles (0.00056%); highest among the groups gnomAD compares: African/African-American, 0.0067%; no homozygotes.

Submissions (9):

Ambry Genetics
Classification: Uncertain significance for Hereditary cancer-predisposing syndrome. Last evaluated: 2026-05-19. Review status: criteria provided, single submitter. Criteria: Ambry Variant Classification Scheme 2023. Collection method: clinical testing. Allele origin: germline.

Labcorp Genetics (formerly Invitae), Labcorp
Classification: Uncertain significance for Breast-ovarian cancer, familial, susceptibility to, 4. Last evaluated: 2025-11-18. Review status: criteria provided, single submitter. Criteria: Invitae Variant Classification Sherloc (09022015). Collection method: clinical testing. Allele origin: germline.
Comment: This sequence change replaces alanine, which is neutral and non-polar, with valine, which is neutral and non-polar, at codon 34 of the RAD51D protein (p.Ala34Val). This variant is present in population databases (no rsID available, gnomAD 0.007%). This missense change has been observed in individual(s) with breast cancer (PMID: 28864920). ClinVar contains an entry for this variant (Variation ID: 231115). An algorithm developed to predict the effect of missense changes on protein structure and function (PolyPhen-2) suggests that this variant is likely to be tolerated. Experimental studies have shown that this missense change does not substantially affect RAD51D function (PMID: 28864920). In summary, the available evidence is currently insufficient to determine the role of this variant in disease. Therefore, it has been classified as a Variant of Uncertain Significance.

GeneDx
Classification: Uncertain significance. Last evaluated: 2025-08-29. Review status: criteria provided, single submitter. Criteria: GeneDx Variant Classification Process June 2021. Collection method: clinical testing. Allele origin: germline. Affected: yes.
Comment: Not observed at significant frequency in large population cohorts (gnomAD); In silico analysis suggests that this missense variant does not alter protein structure/function; Published functional studies demonstrate no damaging effect on interaction with XRCC2 (PMID: 28864920); Observed in individuals with breast cancer (PMID: 28864920); This variant is associated with the following publications: (PMID: 28864920, 21111057)

ARUP Laboratories, Molecular Genetics and Genomics, ARUP Laboratories
Classification: Uncertain significance for Breast-ovarian cancer, familial, susceptibility to, 4. Last evaluated: 2025-05-19. Review status: criteria provided, single submitter. Criteria: ARUP Molecular Germline Variant Investigation Process 2024. Collection method: clinical testing. Allele origin: germline.
Comment: The RAD51D c.101C>T; p.Ala34Val variant (rs876658968, ClinVar Variation ID: 231115) is reported in the literature in a breast cancer cohort (Ding 2018). This variant is only observed on one allele in the Genome Aggregation Database (v2.1.1), indicating it is not a common polymorphism. Functional analyses of the variant protein, using a yeast two-hybrid assay, show this variant did not have a significant impact on RAD51D binding with XRCC2 (Ding 2018). Additionally, computational analyses predict that this variant is neutral (REVEL: 0.095). Due to limited information, the clinical significance of this variant is uncertain at this time. References: Ding YC et al. Discovery of mutations in homologous recombination genes in African-American women with breast cancer. Fam Cancer. 2018 Apr;17(2):187-195. PMID: 28864920.

Quest Diagnostics Nichols Institute San Juan Capistrano
Classification: Uncertain significance. Last evaluated: 2025-03-21. Review status: criteria provided, single submitter. Criteria: Quest Diagnostics criteria. Collection method: clinical testing. Allele origin: unknown.
Comment: The RAD51D c.101C>T (p.Ala34Val) variant has been reported in the published literature in a functional study that shows this variant does not significantly affect protein binding with the XRCC2 protein (PMID: 28864920 (2018)). The frequency of this variant in the general population (Genome Aggregation Database) is uninformative in the assessment of its pathogenicity. Analysis of this variant using bioinformatics tools for the prediction of the effect of amino acid changes on protein structure and function yielded predictions that this variant is benign. Based on the available information, we are unable to determine the clinical significance of this variant.

Color Diagnostics, LLC DBA Color Health
Classification: Uncertain significance for Hereditary cancer-predisposing syndrome. Last evaluated: 2024-05-23. Review status: criteria provided, single submitter. Criteria: ACMG Guidelines, 2015. Collection method: clinical testing. Allele origin: germline.
Comment: This missense variant replaces alanine with valine at codon 34 of the RAD51D protein. Computational prediction suggests that this variant may not impact protein structure and function. A functional study has shown the mutant protein to retain the ability to bind XRCC2 normally in yeast two-hybrid assay (PMID: 28864920). This variant has been reported in an individual affected with breast cancer (PMID: 28864920). This variant has been identified in 1/251456 chromosomes in the general population by the Genome Aggregation Database (gnomAD). The available evidence is insufficient to determine the role of this variant in disease conclusively. Therefore, this variant is classified as a Variant of Uncertain Significance.

Baylor Genetics
Classification: Uncertain significance for Breast-ovarian cancer, familial, susceptibility to, 4. Last evaluated: 2023-08-23. Review status: criteria provided, single submitter. Criteria: ACMG Guidelines, 2015. Collection method: clinical testing. Allele origin: unknown.

Women's Health and Genetics/Laboratory Corporation of America, LabCorp
Classification: Uncertain significance. Last evaluated: 2021-08-19. Review status: criteria provided, single submitter. Criteria: LabCorp Variant Classification Summary - May 2015. Collection method: clinical testing. Allele origin: germline.
Comment: Variant summary: RAD51D c.101C>T (p.Ala34Val) results in a non-conservative amino acid change in the encoded protein sequence. Three of five in-silico tools predict a benign effect of the variant on protein function. The variant allele was found at a frequency of 4e-06 in 251456 control chromosomes. The available data on variant occurrences in the general population are insufficient to allow any conclusion about variant significance. The variant, c.101C>T, has been reported in the literature in individuals affected with Hereditary Breast and Ovarian Cancer (Ding_2017). This report does not provide unequivocal conclusions about association of the variant with Hereditary Breast and Ovarian Cancer. At least one publication reports experimental evidence evaluating an impact on protein function. The most pronounced variant effect results in >50%-90% of normal activity (Ding_2017) for XRCC2-RAD51D protein-protein interactions assessed by a yeast two hybrid system. Four clinical diagnostic laboratories have submitted clinical-significance assessments for this variant to ClinVar after 2014 without evidence for independent evaluation. All laboratories classified the variant as uncertain significance. Based on the evidence outlined above, the variant was classified as uncertain significance.

PreventionGenetics, part of Exact Sciences
Classification: Uncertain significance for RAD51D-related condition. Last evaluated: 2024-08-06. Review status: no assertion criteria provided. Collection method: clinical testing. Allele origin: germline. Not counted in ClinVar's aggregate classification.
Comment: The RAD51D c.101C>T variant is predicted to result in the amino acid substitution p.Ala34Val. This variant was reported in an individual with breast cancer (Ding et al. 2018. PubMed ID: 28864920). Functional studies have shown that this variant does not significantly affect RAD51D protein function (Table 2, Ding et al. 2018. PubMed ID: 28864920). This variant is reported in 0.0062% of alleles in individuals of African descent in gnomAD and is interpreted as a variant of uncertain significance in ClinVar. At this time, the clinical significance of this variant is uncertain due to the absence of conclusive functional and genetic evidence.

Literature cited by the submitters: PubMed 28864920 (cited by 4 submitters).

NM_002878.4(RAD51D):c.101C>T (p.Ala34Val)

Genes: RAD51D (RAD51 paralog D; minus strand), RAD51L3-RFFL (RAD51L3-RFFL readthrough; minus strand). Cytogenetic location: 17q12.
Variant type: single nucleotide variant.
Coding change: c.101C>T on transcript NM_002878.4 (MANE Select); coding-DNA position 101, C replaced by T.
Protein change: p.Ala34Val; replaces alanine 34 with valine.
Molecular consequence: missense variant. On other transcripts: non-coding transcript variant (2).
Genome position (GRCh38, 1-based): chr17:35,119,154, G>A on the plus strand (C>T on the coding strand, the complement: RAD51D is on the minus strand). VCF-style: chr17-35119154-G-A. GRCh37 (hg19) VCF-style: chr17-33446173-G-A.
Other names: c.101C>T, p.Ala34Val (NM_001142571.2, NM_133629.3); short protein forms A34V.
Identifiers: ClinVar variation 231115 (VCV000231115.33), dbSNP rs876658968, ClinGen allele CA10580473.